The following is an entry in ClinVar:

NM_015178.3(RHOBTB2):c.469C>T (p.Arg157Ter)

Gene: RHOBTB2 (Rho related BTB domain containing 2; plus strand). Cytogenetic location: 8p21.3.
Variant type: single nucleotide variant.
Coding change: c.469C>T on transcript NM_015178.3 (MANE Select); coding-DNA position 469, C replaced by T.
Protein change: p.Arg157Ter; replaces arginine 157 with a stop codon.
Molecular consequence: nonsense.
Genome position (GRCh38, 1-based): chr8:23,006,132, C>T. VCF-style: chr8-23006132-C-T. GRCh37 (hg19) VCF-style: chr8-22863645-C-T.
Other names: c.535C>T, p.Arg179Ter (NM_001160036.2); c.490C>T, p.Arg164Ter (NM_001160037.2); c.469C>T, p.Arg157Ter (NM_001374791.1); short protein forms R164*, R179*, R157*.
Identifiers: ClinVar variation 2110571 (VCV002110571.5), dbSNP rs1346573627, ClinGen allele CA370561779.
Genomic context (GRCh38, chr8:23,006,132, plus strand): 5'-TTGGTGGGCTGCCAGTTGGACCTGCGCTACGCTGACCTGGAGGCTGTCAACAGGGCTAGG[C>T]GACCCTTGGCTAGGTAGGAGGTGCTGGTACCAAGGAGACAGACATGGATGGGTGCCTCAC-3'

ClinVar aggregate classification (germline): Uncertain significance. Review status: criteria provided, multiple submitters, no conflicts (2 of 4 stars). 2 submissions from 2 submitters: Uncertain significance (2). Last evaluated 2024-12-16.

Conditions:
Inborn genetic diseases. Identifiers: MedGen C0950123, MeSH D030342.

Allele frequency attached by ClinVar (database versions not stated): gnomAD exomes below 0.00001; TOPMed 0.00001.

Submissions (2):

Labcorp Genetics (formerly Invitae), Labcorp
Classification: Uncertain significance. Last evaluated: 2024-12-16. Review status: criteria provided, single submitter. Criteria: Invitae Variant Classification Sherloc (09022015). Collection method: clinical testing. Allele origin: germline.
Comment: This sequence change creates a premature translational stop signal (p.Arg179*) in the RHOBTB2 gene. It is expected to result in an absent or disrupted protein product. However, the current clinical and genetic evidence is not sufficient to establish whether loss-of-function variants in RHOBTB2 cause disease. The frequency data for this variant in the population databases is considered unreliable, as metrics indicate poor data quality at this position in the gnomAD database. This premature translational stop signal has been observed in individual(s) with clinical features of RHOBTB2-related conditions (PMID: 37165955). ClinVar contains an entry for this variant (Variation ID: 2110571). Algorithms developed to predict the effect of sequence changes on RNA splicing suggest that this variant may disrupt the consensus splice site. In summary, the available evidence is currently insufficient to determine the role of this variant in disease. Therefore, it has been classified as a Variant of Uncertain Significance.

Ambry Genetics
Classification: Uncertain significance for Inborn genetic diseases. Last evaluated: 2022-08-06. Review status: criteria provided, single submitter. Criteria: Ambry Variant Classification Scheme 2023. Collection method: clinical testing. Allele origin: germline.
Comment: Loss of function has not been established as a mechanism of disease Based on insufficient or conflicting evidence, the clinical significance of this alteration remains unclear.

Literature cited by the submitters: PubMed 37165955 (cited by Labcorp Genetics (formerly Invitae), Labcorp).